The following is an entry in ClinVar:

ClinVar aggregate classification (germline): Uncertain significance. Review status: criteria provided, multiple submitters, no conflicts (2 of 4 stars). 2 submissions from 2 submitters: Uncertain significance (2). Last evaluated 2022-04-12.

Allele frequency attached by ClinVar (database versions not stated): gnomAD 0.00001; TOPMed 0.00002.
gnomAD v4.1: 18 of 1,613,304 alleles (0.0011%); highest among the groups gnomAD compares: Middle Eastern, 0.033%; no homozygotes.

Submissions (2):

Labcorp Genetics (formerly Invitae), Labcorp
Classification: Uncertain significance. Last evaluated: 2022-04-12. Review status: criteria provided, single submitter. Criteria: Invitae Variant Classification Sherloc (09022015). Collection method: clinical testing. Allele origin: germline.
Comment: In summary, the available evidence is currently insufficient to determine the role of this variant in disease. Therefore, it has been classified as a Variant of Uncertain Significance. Algorithms developed to predict the effect of missense changes on protein structure and function are either unavailable or do not agree on the potential impact of this missense change (SIFT: "Deleterious"; PolyPhen-2: "Benign"; Align-GVGD: "Class C0"). This variant has not been reported in the literature in individuals affected with CNTNAP1-related conditions. This variant is present in population databases (rs754056108, gnomAD no frequency). This sequence change replaces glycine, which is neutral and non-polar, with serine, which is neutral and polar, at codon 427 of the CNTNAP1 protein (p.Gly427Ser).

Revvity Omics, Revvity
Classification: Uncertain significance. Last evaluated: 2020-01-29. Review status: criteria provided, single submitter. Criteria: ACMG Guidelines, 2015. Collection method: clinical testing. Allele origin: germline.

NM_003632.3(CNTNAP1):c.1279G>A (p.Gly427Ser)

Gene: CNTNAP1 (contactin associated protein 1; plus strand). Cytogenetic location: 17q21.2.
Variant type: single nucleotide variant.
Coding change: c.1279G>A on transcript NM_003632.3 (MANE Select); coding-DNA position 1279, G replaced by A.
Protein change: p.Gly427Ser; replaces glycine 427 with serine.
Molecular consequence: missense variant.
Genome position (GRCh38, 1-based): chr17:42,687,954, G>A. VCF-style: chr17-42687954-G-A. GRCh37 (hg19) VCF-style: chr17-40839972-G-A.
Other names: c.1279G>A (NM_003632.2); short protein forms G427S.
Identifiers: ClinVar variation 1985630 (VCV001985630.7), dbSNP rs754056108, ClinGen allele CA8581740.